The following is an entry in ClinVar:

NM_183050.4(BCKDHB):c.880_881dup (p.Leu295fs)

Gene: BCKDHB (branched chain keto acid dehydrogenase E1 subunit beta; plus strand). Cytogenetic location: 6q14.1.
Variant type: Duplication.
Coding change: c.880_881dup on transcript NM_183050.4 (MANE Select); coding-DNA positions 880 to 881, 2 bases duplicated (AA; older notation c.880_881dupAA).
Protein change: p.Leu295fs; shifts the reading frame from leucine 295.
Molecular consequence: frameshift variant. On other transcripts: non-coding transcript variant (6).
Genome position (GRCh38, 1-based): chr6:80,203,141-80,203,142, AA duplicated; duplicating any 2 consecutive bases within chr6:80,203,139-80,203,142 gives the same sequence; the c. name uses the placement nearest the transcript's 3' end. VCF-style (leftmost placement, unchanged base first): chr6-80203138-G-GAA. GRCh37 (hg19) VCF-style: chr6-80912855-G-GAA.
Other names: c.880_881dup, p.Leu295fs (NM_000056.5, NM_001424035.1, NM_001424036.1 and 7 more transcripts); c.670_671dup, p.Leu225fs (NM_001318975.1, NM_001424043.1); short protein forms L225fs, L295fs.
Identifiers: ClinVar variation 2749026 (VCV002749026.3), dbSNP rs2482268455, ClinGen allele CA2697553599.

ClinVar aggregate classification (germline): Pathogenic (1 of 4 stars; one submission).

Conditions:
Maple syrup urine disease (MSUD). Identifiers: Orphanet 511, MedGen C0024776, MeSH D008375, MONDO:0009563. Disease mechanism: loss of function.

Submission:

Labcorp Genetics (formerly Invitae), Labcorp
Classification: Pathogenic for Maple syrup urine disease. Last evaluated: 2023-08-01. Review status: criteria provided, single submitter. Criteria: Invitae Variant Classification Sherloc (09022015). Collection method: clinical testing. Allele origin: germline.
Comment: For these reasons, this variant has been classified as Pathogenic. This variant has not been reported in the literature in individuals affected with BCKDHB-related conditions. This variant is not present in population databases (gnomAD no frequency). This sequence change creates a premature translational stop signal (p.Leu295Serfs*11) in the BCKDHB gene. It is expected to result in an absent or disrupted protein product. Loss-of-function variants in BCKDHB are known to be pathogenic (PMID: 16786533, 22593002).

Literature cited by the submitters: PubMed 16786533; PubMed 22593002.